The following is an entry in ClinVar:

ClinVar aggregate classification (germline): Uncertain significance (1 of 4 stars; one submission).

Conditions:
Hereditary cancer-predisposing syndrome. Also called: Hereditary Cancer Syndrome; Hereditary neoplastic syndrome; Neoplastic Syndromes, Hereditary; Tumor predisposition. Identifiers: Orphanet 140162, MedGen C0027672, MeSH D009386, MONDO:0015356.

Submission:

Ambry Genetics
Classification: Uncertain significance for Hereditary cancer-predisposing syndrome. Last evaluated: 2025-08-03. Review status: criteria provided, single submitter. Criteria: Ambry Variant Classification Scheme 2023. Collection method: clinical testing. Allele origin: germline.
Comment: The p.T1785S variant (also known as c.5354C>G), located in coding exon 10 of the BRCA2 gene, results from a C to G substitution at nucleotide position 5354. The threonine at codon 1785 is replaced by serine, an amino acid with similar properties. This amino acid position is conserved. In addition, this alteration is predicted to be tolerated by in silico analysis. Based on the available evidence, the clinical significance of this variant remains unclear.

NM_000059.4(BRCA2):c.5354C>G (p.Thr1785Ser)

Gene: BRCA2 (BRCA2 DNA repair associated; plus strand). Cytogenetic location: 13q13.1.
Variant type: single nucleotide variant.
Coding change: c.5354C>G on transcript NM_000059.4 (MANE Select); coding-DNA position 5354, C replaced by G.
Protein change: p.Thr1785Ser; replaces threonine 1785 with serine.
Molecular consequence: missense variant. On other transcripts: non-coding transcript variant (1), intron variant (2).
Genome position (GRCh38, 1-based): chr13:32,339,709, C>G. VCF-style: chr13-32339709-C-G. GRCh37 (hg19) VCF-style: chr13-32913846-C-G.
Other names: c.5354C>G, p.Thr1785Ser (NM_001406719.1, NM_001406720.1, NM_001432077.1); c.1910-4849C>G (NM_001406721.1); c.425-4849C>G (NM_001406722.1); short protein forms T1785S.
Identifiers: ClinVar variation 4215888 (VCV004215888.1).